The following is an entry in ClinVar:

ClinVar aggregate classification (germline): Uncertain significance. Review status: criteria provided, multiple submitters, no conflicts (2 of 4 stars). 2 submissions from 2 submitters: Uncertain significance (2). Last evaluated 2025-11-13.

Submissions (2):

Labcorp Genetics (formerly Invitae), Labcorp
Classification: Uncertain significance. Last evaluated: 2025-11-13. Review status: criteria provided, single submitter. Criteria: Invitae Variant Classification Sherloc (09022015). Collection method: clinical testing. Allele origin: germline.
Comment: This sequence change replaces leucine, which is neutral and non-polar, with valine, which is neutral and non-polar, at codon 196 of the NFKB1 protein (p.Leu196Val). This variant is not present in population databases (gnomAD no frequency). This variant has not been reported in the literature in individuals affected with NFKB1-related conditions. ClinVar contains an entry for this variant (Variation ID: 424608). Invitae Evidence Modeling of protein sequence and biophysical properties (such as structural, functional, and spatial information, amino acid conservation, physicochemical variation, residue mobility, and thermodynamic stability) indicates that this missense variant is expected to disrupt NFKB1 protein function with a positive predictive value of 80%. Experimental studies have shown that this missense change does not substantially affect NFKB1 function (PMID: 36105815). In summary, the available evidence is currently insufficient to determine the role of this variant in disease. Therefore, it has been classified as a Variant of Uncertain Significance.

GeneDx
Classification: Uncertain significance. Last evaluated: 2017-04-03. Review status: criteria provided, single submitter. Criteria: GeneDx Variant Classification (06012015). Collection method: clinical testing. Allele origin: germline. Affected: yes.
Comment: The L196V variant in the NFKB1 gene has not been reported previously as a pathogenic variant, nor as a benign variant, to our knowledge. The L196V variant is not observed in large population cohorts (Lek et al., 2016; 1000 Genomes Consortium et al., 2015; Exome Variant Server). The L196V variant is a conservative amino acid substitution, which is not likely to impact secondary protein structure as these residues share similar properties. This substitution occurs at a position where amino acids with similar properties to Leucine are tolerated across species. In silico analysis predicts this variant likely does not alter the protein structure/function. We interpret L196V as a variant of uncertain significance

Literature cited by the submitters: PubMed 36105815 (cited by Labcorp Genetics (formerly Invitae), Labcorp).

NM_003998.4(NFKB1):c.586C>G (p.Leu196Val)

Gene: NFKB1 (nuclear factor kappa B subunit 1; plus strand). Cytogenetic location: 4q24.
Variant type: single nucleotide variant.
Coding change: c.586C>G on transcript NM_003998.4 (MANE Select); coding-DNA position 586, C replaced by G.
Protein change: p.Leu196Val; replaces leucine 196 with valine.
Molecular consequence: missense variant.
Genome position (GRCh38, 1-based): chr4:102,578,895, C>G. VCF-style: chr4-102578895-C-G. GRCh37 (hg19) VCF-style: chr4-103500052-C-G.
Other names: c.583C>G, p.Leu195Val (NM_001165412.2, NM_001319226.2); c.586C>G, p.Leu196Val (LRG_1316t1); short protein forms L196V, L195V.
Identifiers: ClinVar variation 424608 (VCV000424608.6), dbSNP rs1064797068, ClinGen allele CA16618021.